The following is an entry in ClinVar:

ClinVar aggregate classification (germline): Conflicting classifications of pathogenicity. Review status: criteria provided, conflicting classifications (1 of 4 stars). 4 submissions from 4 submitters: Uncertain significance (3); Benign (1). Last evaluated 2026-07-21.

Conditions:
Progressive external ophthalmoplegia with mitochondrial DNA deletions, autosomal dominant 4. Also called: PROGRESSIVE EXTERNAL OPHTHALMOPLEGIA, AUTOSOMAL DOMINANT 4. Identifiers: MedGen C1864668, MONDO:0012415, OMIM 610131.

Allele frequency attached by ClinVar (database versions not stated): gnomAD exomes 0.00008 and 0.00011; gnomAD 0.00009 and 0.00011; ExAC 0.00013; 1000 Genomes Project 0.00020; TOPMed 0.00020; ESP Exome Variant Server 0.00023; 1000 Genomes Project 30x 0.00031.
gnomAD v4.1: 139 of 1,613,924 alleles (0.0086%); highest among the groups gnomAD compares: Admixed American, 0.047%; no homozygotes.

Submissions (5):

GeneDx
Classification: Uncertain significance. Last evaluated: 2026-07-21. Review status: criteria provided, single submitter. Criteria: GeneDx Variant Classification Process June 2021. Collection method: clinical testing. Allele origin: germline.
Comment: Has not been previously published as pathogenic or benign to our knowledge; In silico analysis suggests that this missense variant does not alter protein structure/function

Labcorp Genetics (formerly Invitae), Labcorp
Classification: Uncertain significance. Last evaluated: 2025-12-19. Review status: criteria provided, single submitter. Criteria: Invitae Variant Classification Sherloc (09022015). Collection method: clinical testing. Allele origin: germline.
Comment: This sequence change replaces glycine, which is neutral and non-polar, with arginine, which is basic and polar, at codon 61 of the POLG2 protein (p.Gly61Arg). This variant is present in population databases (rs144148008, gnomAD 0.04%), and has an allele count higher than expected for a pathogenic variant. This variant has not been reported in the literature in individuals affected with POLG2-related conditions. ClinVar contains an entry for this variant (Variation ID: 215022). An algorithm developed to predict the effect of missense changes on protein structure and function (PolyPhen-2) suggests that this variant is likely to be tolerated. In summary, the available evidence is currently insufficient to determine the role of this variant in disease. Therefore, it has been classified as a Variant of Uncertain Significance.

CeGaT Center for Human Genetics Tuebingen
Classification: Uncertain significance. Last evaluated: 2019-07-01. Review status: criteria provided, single submitter. Criteria: CeGaT Center For Human Genetics Tuebingen Variant Classification Criteria Version 2. Collection method: clinical testing. Allele origin: germline. Affected: yes. Observed: 1 variant allele.

Illumina Laboratory Services, Illumina
Classification: Benign for Progressive external ophthalmoplegia with mitochondrial DNA deletions, autosomal dominant 4. Last evaluated: 2018-03-12. Review status: criteria provided, single submitter. Criteria: ICSL Variant Classification Criteria 13 December 2019. Collection method: clinical testing. Allele origin: germline.
Comment: This variant was observed in the ICSL laboratory as part of a predisposition screen in an ostensibly healthy population. It had not been previously curated by ICSL or reported in the Human Gene Mutation Database (HGMD: prior to June 1st, 2018), and was therefore a candidate for classification through an automated scoring system. Utilizing variant allele frequency, disease prevalence and penetrance estimates, and inheritance mode, an automated score was calculated to assess if this variant is too frequent to cause the disease. Based on the score and internal cut-off values, a variant classified as benign is not then subjected to further curation. The score for this variant resulted in a classification of benign for this disease.

Dr. Peter K. Rogan Lab, Western University
No classification provided (evidence only). Condition: Colorectal cancer. Review status: no classification provided. Collection method: in vitro. Allele origin: not applicable. Functional consequence: retained intron. Not counted in ClinVar's aggregate classification.

NM_007215.4(POLG2):c.181G>A (p.Gly61Arg)

Genes: MILR1 (mast cell immunoglobulin like receptor 1; plus strand), POLG2 (DNA polymerase gamma 2, accessory subunit; minus strand). Cytogenetic location: 17q23.3.
Variant type: single nucleotide variant.
Coding change: c.181G>A on transcript NM_007215.4 (MANE Select); coding-DNA position 181, G replaced by A.
Protein change: p.Gly61Arg; replaces glycine 61 with arginine.
Molecular consequence: missense variant.
Genome position (GRCh38, 1-based): chr17:64,496,788, C>T on the plus strand (G>A on the coding strand, the complement: POLG2 is on the minus strand). VCF-style: chr17-64496788-C-T. GRCh37 (hg19) VCF-style: chr17-62492906-C-T.
Other names: p.G61R:GGG>AGG; short protein forms G61R.
Identifiers: ClinVar variation 215022 (VCV000215022.54), dbSNP rs144148008, ClinGen allele CA325221.
Genomic context (GRCh38, chr17:64,496,788, plus strand): 5'-CACTTAGGAAATGCCTTCTCTGACAGATCTCTAACAGCGCCTCGCTTCCCTCTCCAGACC[C>T]GGGGGCTTCTGGGTGCTCGCCGTTCCCCTCGAGCTCCGCGTGCGACTTCACATGCCCTCC-3'
Protein context (NP_009146.2, residues 51-71): EGNGEHPEAP[Gly61Arg]SGEGSEALLE